The following is an entry in ClinVar:

NM_006567.5(FARS2):c.999G>A (p.Trp333Ter)

Gene: FARS2 (phenylalanyl-tRNA synthetase 2, mitochondrial; plus strand). Cytogenetic location: 6p25.1.
Variant type: single nucleotide variant.
Coding change: c.999G>A on transcript NM_006567.5 (MANE Select); coding-DNA position 999, G replaced by A.
Protein change: p.Trp333Ter; replaces tryptophan 333 with a stop codon.
Molecular consequence: nonsense.
Genome position (GRCh38, 1-based): chr6:5,545,274, G>A. VCF-style: chr6-5545274-G-A. GRCh37 (hg19) VCF-style: chr6-5545507-G-A.
Other names: c.999G>A, p.Trp333Ter (NM_001318872.2, NM_001374875.1, NM_001374876.1 and 4 more transcripts); c.867G>A, p.Trp289Ter (NM_001375258.1); c.303G>A, p.Trp101Ter (NM_001375259.1, NM_001375260.1); short protein forms W289*, W101*, W333*.
Identifiers: ClinVar variation 1351885 (VCV001351885.6), dbSNP rs753467517, ClinGen allele CA134331276.
Genomic context (GRCh38, chr6:5,545,274, plus strand): 5'-CCTAGGATTAGAAAGGCTAGCCATGATCCTCTACGACATCCCTGATATCCGTCTCTTCTG[G>A]TGTGAGGACGAGCGCTTCCTGAAGCAGTTCTGTGTATCCAACATTAATCAGAAGGTGAAG-3'

ClinVar aggregate classification (germline): Pathogenic (1 of 4 stars; one submission).

Conditions:
Combined oxidative phosphorylation defect type 14. Also called: Combined oxidative phosphorylation deficiency 14. Identifiers: Orphanet 319519, MedGen C4755312, MONDO:0013986, OMIM 614946.

Allele frequency attached by ClinVar (database versions not stated): gnomAD exomes 0.00001.
gnomAD v4.1: 16 of 1,614,080 alleles (0.00099%); highest among the groups gnomAD compares: Non-Finnish European, 0.0014%; no homozygotes.

Submission:

Labcorp Genetics (formerly Invitae), Labcorp
Classification: Pathogenic for Combined oxidative phosphorylation defect type 14. Last evaluated: 2025-10-22. Review status: criteria provided, single submitter. Criteria: Invitae Variant Classification Sherloc (09022015). Collection method: clinical testing. Allele origin: germline.
Comment: This sequence change creates a premature translational stop signal (p.Trp333*) in the FARS2 gene. It is expected to result in an absent or disrupted protein product. Loss-of-function variants in FARS2 are known to be pathogenic (PMID: 22833457). This variant is not present in population databases (gnomAD no frequency). This variant has not been reported in the literature in individuals affected with FARS2-related conditions. ClinVar contains an entry for this variant (Variation ID: 1351885). For these reasons, this variant has been classified as Pathogenic.

Literature cited by the submitters: PubMed 22833457.